The following is an entry in ClinVar:

ClinVar aggregate classification (germline): Uncertain significance (1 of 4 stars; one submission).

Conditions:
Inborn genetic diseases. Identifiers: MedGen C0950123, MeSH D030342.

Submission:

Ambry Genetics
Classification: Uncertain significance for Inborn genetic diseases. Last evaluated: 2026-06-09. Review status: criteria provided, single submitter. Criteria: Ambry Variant Classification Scheme 2023. Collection method: clinical testing. Allele origin: germline.
Comment: The p.P559R variant (also known as c.1676C>G), located in coding exon 11 of the LTBP3 gene, results from a C to G substitution at nucleotide position 1676. The proline at codon 559 is replaced by arginine, an amino acid with dissimilar properties. This amino acid position is conserved. In addition, this alteration is predicted to be tolerated by in silico analysis. Based on the available evidence, the clinical significance of this variant remains unclear.

NM_001130144.3(LTBP3):c.1676C>G (p.Pro559Arg)

Gene: LTBP3 (latent transforming growth factor beta binding protein 3; minus strand). Cytogenetic location: 11q13.1.
Variant type: single nucleotide variant.
Coding change: c.1676C>G on transcript NM_001130144.3 (MANE Select); coding-DNA position 1676, C replaced by G.
Protein change: p.Pro559Arg; replaces proline 559 with arginine.
Molecular consequence: missense variant.
Genome position (GRCh38, 1-based): chr11:65,551,170, G>C on the plus strand (C>G on the coding strand, the complement: LTBP3 is on the minus strand). VCF-style: chr11-65551170-G-C. GRCh37 (hg19) VCF-style: chr11-65318641-G-C.
Other names: c.1325C>G, p.Pro442Arg (NM_001164266.1); c.1676C>G, p.Pro559Arg (NM_021070.4); short protein forms P442R, P559R.
Identifiers: ClinVar variation 4859322 (VCV004859322.1).